The following is an entry in ClinVar:

ClinVar aggregate classification (germline): Pathogenic (1 of 4 stars; one submission).

Conditions:
Autosomal recessive limb-girdle muscular dystrophy type 2D (LGMDR3). Also called: DUCHENNE-LIKE AUTOSOMAL RECESSIVE MUSCULAR DYSTROPHY, TYPE 2; ADHALINOPATHY, PRIMARY; MUSCULAR DYSTROPHY, LIMB-GIRDLE, AUTOSOMAL RECESSIVE 3. Identifiers: Orphanet 62, MedGen C2936332, MONDO:0011968, OMIM 608099. Disease mechanism: Affects gamma-sarcoglycan and also disrupts the integrity of the entire sarcoglycan complex..

Submission:

Labcorp Genetics (formerly Invitae), Labcorp
Classification: Pathogenic for Autosomal recessive limb-girdle muscular dystrophy type 2D. Last evaluated: 2021-05-13. Review status: criteria provided, single submitter. Criteria: Invitae Variant Classification Sherloc (09022015). Collection method: clinical testing. Allele origin: germline.
Comment: For these reasons, this variant has been classified as Pathogenic. This variant has been observed in individual(s) with SGCA-related conditions (PMID: 7663524). This variant is not present in population databases (ExAC no frequency). This sequence change creates a premature translational stop signal (p.Gln80*) in the SGCA gene. It is expected to result in an absent or disrupted protein product. Loss-of-function variants in SGCA are known to be pathogenic (PMID: 9192266).

Literature cited by the submitters: PubMed 7663524; PubMed 9192266.

NM_000023.4(SGCA):c.238C>T (p.Gln80Ter)

Gene: SGCA (sarcoglycan alpha; plus strand). Cytogenetic location: 17q21.33.
Variant type: single nucleotide variant.
Coding change: c.238C>T on transcript NM_000023.4 (MANE Select); coding-DNA position 238, C replaced by T.
Protein change: p.Gln80Ter; replaces glutamine 80 with a stop codon.
Molecular consequence: nonsense. On other transcripts: non-coding transcript variant (1).
Genome position (GRCh38, 1-based): chr17:50,167,662, C>T. VCF-style: chr17-50167662-C-T. GRCh37 (hg19) VCF-style: chr17-48245023-C-T.
Other names: c.238C>T, p.Gln80Ter (NM_001135697.3); short protein forms Q80*.
Identifiers: ClinVar variation 1399916 (VCV001399916.8), dbSNP rs2144494297, ClinGen allele CA400177573.